The following is an entry in ClinVar:

NM_004006.3(DMD):c.247dup (p.Val83fs)

Gene: DMD (dystrophin; minus strand). Cytogenetic location: Xp21.1.
Variant type: Duplication.
Coding change: c.247dup on transcript NM_004006.3 (MANE Select); coding-DNA position 247, one base duplicated (G; older notation c.247dupG).
Protein change: p.Val83fs; shifts the reading frame from valine 83.
Molecular consequence: frameshift variant. On other transcripts: 5 prime UTR variant (1).
Genome position (GRCh38, 1-based): chrX:32,844,800, C duplicated on the plus strand (G on the coding strand, the reverse complement: DMD is on the minus strand); the first of 3 consecutive C bases (chrX:32,844,800-32,844,802); duplicating any one gives the same sequence. VCF-style (leftmost placement, unchanged base first): chrX-32844799-A-AC. GRCh37 (hg19) VCF-style: chrX-32862916-A-AC.
Other names: c.223dup, p.Val75fs (NM_000109.4); c.235dup, p.Val79fs (NM_004009.3); c.-123dup (NM_004010.3); short protein forms V75fs, V79fs, V83fs.
Identifiers: ClinVar variation 1806409 (VCV001806409.1), dbSNP rs2524852698, ClinGen allele CA2580100877.
Genomic context (GRCh38, chrX:32,844,799, plus strand): 5'-ATGCTGTGTCACAGCATCCAGACCTTGTCCAGGGTACTACTTACATTATTGTTCTGCAAA[A>AC]CCCGCAGTGCCTTGTTGACATTGTTCAGGGCATGAACTCTTGTGGATCCTTTTTCTTTTG-3'

ClinVar aggregate classification (germline): Likely pathogenic (1 of 4 stars; one submission).

Conditions:
Duchenne muscular dystrophy (DMD). Also called: MUSCULAR DYSTROPHY, PSEUDOHYPERTROPHIC PROGRESSIVE, DUCHENNE TYPE; Duchenne Muscular Dystrophy (DMD). Identifiers: Orphanet 98896, MedGen C0013264, MONDO:0010679, OMIM 310200.

Submission:

Laboratory of Medical Genetics, National & Kapodistrian University of Athens
Classification: Likely pathogenic for Duchenne muscular dystrophy. Last evaluated: 2022-12-16. Review status: criteria provided, single submitter. Criteria: ACMG Guidelines, 2015. Collection method: clinical testing. Allele origin: germline. Affected: yes.
Comment: PVS1,PM2